The following is an entry in ClinVar:

ClinVar aggregate classification (germline): Pathogenic (1 of 4 stars; one submission).

Conditions:
Glycogen storage disease, type II (IOPD). Also called: CARDIOMEGALIA GLYCOGENICA DIFFUSA; GLYCOGENOSIS, GENERALIZED, CARDIAC FORM; GSD II; Glycogen storage disease type 2; Acid maltase deficiency disease; Aglucosidase alfa. Identifiers: Orphanet 365, MedGen C0017921, MONDO:0009290, OMIM 232300.

Submission:

Myriad Genetics, Inc.
Classification: Pathogenic for Glycogen storage disease, type II. Last evaluated: 2025-06-03. Review status: criteria provided, single submitter. Criteria: Myriad Autosomal Dominant, Autosomal Recessive and X-Linked Classification Criteria (2023). Collection method: clinical testing. Allele origin: unknown.
Comment: NM_000152.3(GAA):c.1720delC(L574Sfs*4) is expected to be pathogenic in the context of Pompe disease. This variant is predicted to lead to an abnormal or absent protein product due to the creation of a premature termination codon in GAA, a gene where loss-of-function variants are known to be pathogenic. Please note: this variant was assessed in the context of healthy population screening.

NM_000152.5(GAA):c.1720del (p.Leu574fs)

Gene: GAA (alpha glucosidase; plus strand). Cytogenetic location: 17q25.3.
Variant type: Deletion.
Coding change: c.1720del on transcript NM_000152.5 (MANE Select); coding-DNA position 1720, one base deleted (C; older notation c.1720delC).
Protein change: p.Leu574fs; shifts the reading frame from leucine 574.
Molecular consequence: frameshift variant.
Genome position (GRCh38, 1-based): chr17:80,112,066, C deleted; the last of 2 consecutive C bases (chr17:80,112,065-80,112,066); deleting either gives the same sequence. VCF-style (leftmost placement, unchanged base first): chr17-80112064-AC-A. GRCh37 (hg19) VCF-style: chr17-78085863-AC-A.
Other names: c.1720del, p.Leu574fs (NM_001079803.3, NM_001079804.3, NM_001406741.1 and 1 more transcripts); short protein forms L574fs.
Identifiers: ClinVar variation 5014554 (VCV005014554.1).
Genomic context (GRCh38, chr17:80,112,064, plus strand): 5'-AGGCGGCCACCATCTGTGCCTCCAGCCACCAGTTTCTCTCCACACACTACAACCTGCACA[AC>A]CTCTACGGCCTGACCGAAGCCATCGCCTCCCACAGGTGAGGGCCACGTCCCGCCCCACTG-3'